The following is an entry in ClinVar:

NM_001042492.3(NF1):c.7870-20A>G

Gene: NF1 (neurofibromin 1; plus strand). Cytogenetic location: 17q11.2.
Variant type: single nucleotide variant.
Coding change: c.7870-20A>G on transcript NM_001042492.3 (MANE Select); 20 bases into the intron before coding-DNA position 7870, A replaced by G.
Molecular consequence: intron variant.
Genome position (GRCh38, 1-based): chr17:31,357,249, A>G. VCF-style: chr17-31357249-A-G. GRCh37 (hg19) VCF-style: chr17-29684267-A-G.
Other names: c.7807-20A>G (NM_000267.4, NM_000267.3).
Identifiers: ClinVar variation 547697 (VCV000547697.12), dbSNP rs574898272, ClinGen allele CA8487683.

ClinVar aggregate classification (germline): Conflicting classifications of pathogenicity. Review status: criteria provided, conflicting classifications (1 of 4 stars). 5 submissions from 5 submitters: Uncertain significance (1); Benign (2); Likely benign (2). Last evaluated 2026-06-14.

Conditions:
NF1-related disorder. Also called: NF1-related condition. Identifiers: MedGen CN379171.
Neurofibromatosis, type 1 (NF1). Also called: Peripheral type neurofibromatosis; NEUROFIBROMATOSIS, TYPE I, SOMATIC; Neurofibromatosis, type I; VON RECKLINGHAUSEN DISEASE. Identifiers: Orphanet 636, MedGen C0027831, MONDO:0018975, OMIM 162200. Disease mechanism: loss of function.

Allele frequency attached by ClinVar (database versions not stated): gnomAD below 0.00001 and 0.00002; TOPMed below 0.00001; gnomAD exomes 0.00005 and 0.00010; 1000 Genomes Project 30x 0.00016; 1000 Genomes Project 0.00020.
gnomAD v4.1: 71 of 1,609,454 alleles (0.0044%); highest among the groups gnomAD compares: South Asian, 0.074%; no homozygotes.

Submissions (5):

PreventionGenetics, part of Exact Sciences
Classification: Likely benign for NF1-related condition. Last evaluated: 2026-06-14. Review status: criteria provided, single submitter. Criteria: ACMG Guidelines, 2015. Collection method: clinical testing. Allele origin: germline.
Comment: This variant is classified as likely benign based on ACMG/AMP sequence variant interpretation guidelines (Richards et al. 2015 PMID: 25741868, with internal and published modifications).

Myriad Genetics, Inc.
Classification: Benign for Neurofibromatosis, type 1. Last evaluated: 2026-05-22. Review status: criteria provided, single submitter. Criteria: Myriad Autosomal Dominant, Autosomal Recessive and X-Linked Classification Criteria (2023). Collection method: clinical testing. Allele origin: unknown.
Comment: This variant is considered benign. This variant is intronic and is not expected to impact mRNA splicing. This variant has been observed at a population frequency that is significantly greater than expected given the associated disease prevalence and penetrance.

Labcorp Genetics (formerly Invitae), Labcorp
Classification: Benign for Neurofibromatosis, type 1. Last evaluated: 2026-01-12. Review status: criteria provided, single submitter. Criteria: Invitae Variant Classification Sherloc (09022015). Collection method: clinical testing. Allele origin: germline.

Blueprint Genetics
Classification: Likely benign. Last evaluated: 2021-12-07. Review status: criteria provided, single submitter. Criteria: ACMG Guidelines, 2015. Collection method: clinical testing. Allele origin: germline.

Center for Human Genetics, Inc
Classification: Uncertain significance for Neurofibromatosis, type 1. Last evaluated: 2016-11-01. Review status: criteria provided, single submitter. Criteria: ACMG Guidelines, 2015. Collection method: clinical testing. Allele origin: germline. Affected: yes.